The following is an entry in ClinVar:

NM_014889.4(PITRM1):c.2887G>A (p.Val963Ile)

Gene: PITRM1 (pitrilysin metallopeptidase 1; minus strand). Cytogenetic location: 10p15.2.
Variant type: single nucleotide variant.
Coding change: c.2887G>A on transcript NM_014889.4 (MANE Select); coding-DNA position 2887, G replaced by A.
Protein change: p.Val963Ile; replaces valine 963 with isoleucine.
Molecular consequence: missense variant. On other transcripts: non-coding transcript variant (4).
Genome position (GRCh38, 1-based): chr10:3,138,934, C>T on the plus strand (G>A on the coding strand, the complement: PITRM1 is on the minus strand). VCF-style: chr10-3138934-C-T. GRCh37 (hg19) VCF-style: chr10-3181126-C-T.
Other names: c.2890G>A, p.Val964Ile (NM_001242307.2); c.2593G>A, p.Val865Ile (NM_001242309.1); c.2689G>A, p.Val897Ile (NM_001347725.2); c.2074G>A, p.Val692Ile (NM_001347726.2); c.2272G>A, p.Val758Ile (NM_001347727.2); c.1582G>A, p.Val528Ile (NM_001347728.2); c.2863G>A, p.Val955Ile (NM_001347729.1); c.2665G>A, p.Val889Ile (NM_001347730.1); and 1 more; short protein forms V528I, V692I, V758I, V865I, V889I, V897I, V955I, V963I.
Identifiers: ClinVar variation 1600719 (VCV001600719.12), dbSNP rs17849904, ClinGen allele CA5387177.

ClinVar aggregate classification (germline): Benign/Likely benign. Review status: criteria provided, multiple submitters, no conflicts (2 of 4 stars). 4 submissions from 4 submitters: Benign (2); Likely benign (1). 1 of the submissions does not count toward it. Last evaluated 2026-01-27.

Conditions:
PITRM1-related disorder. Also called: PITRM1-related condition.

Allele frequency attached by ClinVar (database versions not stated): 1000 Genomes Project 0.03514; 1000 Genomes Project 30x 0.03576; TOPMed 0.05669; gnomAD 0.05881 and 0.06023; ESP Exome Variant Server 0.05922; ExAC 0.06142; gnomAD exomes 0.06151 and 0.08032.
gnomAD v4.1: 125,535 of 1,613,446 alleles (7.8%); highest among the groups gnomAD compares: Non-Finnish European, 9.2%; 5,579 homozygotes.

Submissions (4):

Labcorp Genetics (formerly Invitae), Labcorp
Classification: Benign. Last evaluated: 2026-01-27. Review status: criteria provided, single submitter. Criteria: Invitae Variant Classification Sherloc (09022015). Collection method: clinical testing. Allele origin: germline.

Blueprint Genetics
Classification: Likely benign. Last evaluated: 2024-11-27. Review status: criteria provided, single submitter. Criteria: ACMG Guidelines, 2015. Collection method: clinical testing. Allele origin: germline.

Breakthrough Genomics
Classification: Benign. Review status: criteria provided, single submitter. Criteria: ACMG Guidelines, 2015. Collection method: not provided. Allele origin: germline. Inheritance: Autosomal recessive inheritance. Affected: yes.

PreventionGenetics, part of Exact Sciences
Classification: Benign for PITRM1-related condition. Last evaluated: 2019-11-04. Review status: no assertion criteria provided. Collection method: clinical testing. Allele origin: germline. Not counted in ClinVar's aggregate classification.
Comment: This variant is classified as benign based on ACMG/AMP sequence variant interpretation guidelines (Richards et al. 2015 PMID: 25741868, with internal and published modifications).